The following is an entry in ClinVar:

ClinVar aggregate classification (germline): Uncertain significance (1 of 4 stars; one submission).

Submission:

GeneDx
Classification: Uncertain significance. Last evaluated: 2023-06-18. Review status: criteria provided, single submitter. Criteria: GeneDx Variant Classification Process June 2021. Collection method: clinical testing. Allele origin: germline. Affected: yes.
Comment: Not observed at significant frequency in large population cohorts (gnomAD); In silico analysis supports that this missense variant has a deleterious effect on protein structure/function; Has not been previously published as pathogenic or benign to our knowledge

NM_001374353.1(GLI2):c.1547A>G (p.Tyr516Cys)

Gene: GLI2 (GLI family zinc finger 2; plus strand). Cytogenetic location: 2q14.2.
Variant type: single nucleotide variant.
Coding change: c.1547A>G on transcript NM_001374353.1 (MANE Select); coding-DNA position 1547, A replaced by G.
Protein change: p.Tyr516Cys; replaces tyrosine 516 with cysteine.
Molecular consequence: missense variant.
Genome position (GRCh38, 1-based): chr2:120,982,795, A>G. VCF-style: chr2-120982795-A-G. GRCh37 (hg19) VCF-style: chr2-121740371-A-G.
Other names: c.1598A>G, p.Tyr533Cys (NM_001371271.1, NM_005270.5); c.1172A>G, p.Tyr391Cys (NM_001374354.1); short protein forms Y391C, Y516C, Y533C.
Identifiers: ClinVar variation 3359989 (VCV003359989.1).